The following is an entry in ClinVar:

NM_001197104.2(KMT2A):c.4013-2A>G

Gene: KMT2A (lysine methyltransferase 2A; plus strand). Cytogenetic location: 11q23.3.
Variant type: single nucleotide variant.
Coding change: c.4013-2A>G on transcript NM_001197104.2 (MANE Select); the canonical splice acceptor site of the intron before coding-DNA position 4013, A replaced by G.
Molecular consequence: splice acceptor variant.
Genome position (GRCh38, 1-based): chr11:118,482,420, A>G. VCF-style: chr11-118482420-A-G. GRCh37 (hg19) VCF-style: chr11-118353135-A-G.
Other names: c.4112-2A>G (NM_001412597.1); c.4013-2A>G (NM_005933.4).
Identifiers: ClinVar variation 2672117 (VCV002672117.1), dbSNP rs2496868859, ClinGen allele CA382828769.

ClinVar aggregate classification (germline): Pathogenic (1 of 4 stars; one submission).

Conditions:
Wiedemann-Steiner syndrome (WDSTS). Also called: Growth deficiency and mental retardation with facial dysmorphism. Identifiers: Orphanet 319182, MedGen C1854630, MONDO:0011518, OMIM 605130.

Submission:

Clinical Genomics Laboratory, Washington University in St. Louis
Classification: Pathogenic for Wiedemann-Steiner syndrome. Last evaluated: 2023-09-02. Review status: criteria provided, single submitter. Criteria: ACMG Guidelines, 2015. Collection method: clinical testing. Allele origin: germline. Affected: yes.
Comment: The KMT2A c.4013-2A>G variant, to our knowledge, has not been reported in the medical literature and is absent from the general population (gnomAD v.2.1.1), indicating it is not a common variant. Computational predictors indicate that the variant would alter splicing, evidence that correlates with impact to KMT2A function, and loss of function is the mechanism of disease (Castiglioni S et al., PMID: 35328068). Based on available information and the ACMG/AMP guidelines for variant interpretation (Richards S et al., PMID: 25741868), this variant is classified as pathogenic.